The following is an entry in ClinVar:

NM_003803.4(MYOM1):c.2087G>A (p.Arg696His)

Gene: MYOM1 (myomesin 1; minus strand). Cytogenetic location: 18p11.31.
Variant type: single nucleotide variant.
Coding change: c.2087G>A on transcript NM_003803.4 (MANE Select); coding-DNA position 2087, G replaced by A.
Protein change: p.Arg696His; replaces arginine 696 with histidine.
Molecular consequence: missense variant.
Genome position (GRCh38, 1-based): chr18:3,135,669, C>T on the plus strand (G>A on the coding strand, the complement: MYOM1 is on the minus strand). VCF-style: chr18-3135669-C-T. GRCh37 (hg19) VCF-style: chr18-3135667-C-T.
Other names: c.2087G>A, p.Arg696His (NM_019856.2); short protein forms R696H.
Identifiers: ClinVar variation 525100 (VCV000525100.12), dbSNP rs767192545, ClinGen allele CA8874746.

ClinVar aggregate classification (germline): Conflicting classifications of pathogenicity. Review status: criteria provided, conflicting classifications (1 of 4 stars). 2 submissions from 2 submitters: Uncertain significance (1); Likely benign (1). Last evaluated 2026-01-14.

Conditions:
Hypertrophic cardiomyopathy. Also called: HYPERTROPHIC MYOCARDIOPATHY. Identifiers: Orphanet 217569, MedGen C0007194, MeSH D002312, MONDO:0005045, HP:0001639.

Allele frequency attached by ClinVar (database versions not stated): gnomAD 0.00015 and 0.00017; TOPMed 0.00018.
gnomAD v4.1: 248 of 1,613,810 alleles (0.015%); highest among the groups gnomAD compares: East Asian, 0.078%; 2 homozygotes.

Submissions (2):

Labcorp Genetics (formerly Invitae), Labcorp
Classification: Likely benign for Hypertrophic cardiomyopathy. Last evaluated: 2026-01-14. Review status: criteria provided, single submitter. Criteria: Invitae Variant Classification Sherloc (09022015). Collection method: clinical testing. Allele origin: germline.

Center for Genomics, Ann and Robert H. Lurie Children's Hospital of Chicago
Classification: Uncertain significance. Last evaluated: 2021-03-30. Review status: criteria provided, single submitter. Criteria: ACMG Guidelines, 2015. Collection method: clinical testing. Allele origin: germline.
Comment: MYOM1 NM_003803.3 exon 15 p.Arg696His (c.2087G>A): This variant has been reported in the literature in 1 individual with HCM who also carried variants of potential clinical significance in multiple other HCM-related genes (Cecconi 2016 PMID:27600940). This variant is present in 0.1% (35/18864) of East Asian alleles in the Genome Aggregation Database. This variant is present in ClinVar (Variation ID:525100). Evolutionary conservation and computational predictive tools suggest that this variant may impact the protein. In summary, data on this variant is insufficient for disease classification. Therefore, the clinical significance of this variant is uncertain.